The following is an entry in ClinVar:

NM_138348.6(OTULIN):c.197A>G (p.Lys66Arg)

Gene: OTULIN (OTU deubiquitinase with linear linkage specificity; plus strand). Cytogenetic location: 5p15.2.
Variant type: single nucleotide variant.
Coding change: c.197A>G on transcript NM_138348.6 (MANE Select); coding-DNA position 197, A replaced by G.
Protein change: p.Lys66Arg; replaces lysine 66 with arginine.
Molecular consequence: missense variant.
Genome position (GRCh38, 1-based): chr5:14,673,686, A>G. VCF-style: chr5-14673686-A-G. GRCh37 (hg19) VCF-style: chr5-14673795-A-G.
Other names: short protein forms K66R.
Identifiers: ClinVar variation 1366122 (VCV001366122.8), dbSNP rs757248466, ClinGen allele CA114007259.

ClinVar aggregate classification (germline): Uncertain significance (1 of 4 stars; one submission).

Allele frequency attached by ClinVar (database versions not stated): gnomAD exomes below 0.00001 and 0.00002; TOPMed below 0.00001; gnomAD 0.00001.
gnomAD v4.1: 27 of 1,613,746 alleles (0.0017%); highest among the groups gnomAD compares: Non-Finnish European, 0.0023%; no homozygotes.

Submission:

Labcorp Genetics (formerly Invitae), Labcorp
Classification: Uncertain significance. Last evaluated: 2022-08-16. Review status: criteria provided, single submitter. Criteria: Invitae Variant Classification Sherloc (09022015). Collection method: clinical testing. Allele origin: germline.
Comment: This variant has not been reported in the literature in individuals affected with OTULIN-related conditions. ClinVar contains an entry for this variant (Variation ID: 1366122). Algorithms developed to predict the effect of missense changes on protein structure and function output the following: SIFT: "Deleterious"; PolyPhen-2: "Benign"; Align-GVGD: "Class C0". The arginine amino acid residue is found in multiple mammalian species, which suggests that this missense change does not adversely affect protein function. In summary, the available evidence is currently insufficient to determine the role of this variant in disease. Therefore, it has been classified as a Variant of Uncertain Significance. This variant is present in population databases (rs757248466, gnomAD 0.0009%). This sequence change replaces lysine, which is basic and polar, with arginine, which is basic and polar, at codon 66 of the OTULIN protein (p.Lys66Arg).